The following is an entry in ClinVar:

ClinVar aggregate classification (germline): Uncertain significance. Review status: criteria provided, multiple submitters, no conflicts (2 of 4 stars). 3 submissions from 3 submitters: Uncertain significance (3). Last evaluated 2024-06-25.

Conditions:
Hereditary cancer-predisposing syndrome. Also called: Neoplastic Syndromes, Hereditary; Hereditary Cancer Syndrome; Tumor predisposition; Hereditary neoplastic syndrome. Identifiers: Orphanet 140162, MedGen C0027672, MeSH D009386, MONDO:0015356.
Ataxia-telangiectasia syndrome (AT). Also called: LOUIS-BAR SYNDROME; Cerebello-oculocutaneous telangiectasia; Immunodeficiency with ataxia telangiectasia; Ataxia-telangiectasia, complementation group D; AT, COMPLEMENTATION GROUP C; Ataxia-telangiectasia, complementation group E. Identifiers: Orphanet 100, MedGen C0004135, MONDO:0008840, OMIM 208900.

Submissions (3):

Labcorp Genetics (formerly Invitae), Labcorp
Classification: Uncertain significance for Ataxia-telangiectasia syndrome. Last evaluated: 2024-06-25. Review status: criteria provided, single submitter. Criteria: Invitae Variant Classification Sherloc (09022015). Collection method: clinical testing. Allele origin: germline.
Comment: This sequence change replaces glutamic acid, which is acidic and polar, with glycine, which is neutral and non-polar, at codon 2245 of the ATM protein (p.Glu2245Gly). This variant is not present in population databases (gnomAD no frequency). This variant has not been reported in the literature in individuals affected with ATM-related conditions. ClinVar contains an entry for this variant (Variation ID: 481117). Algorithms developed to predict the effect of missense changes on protein structure and function output the following: SIFT: "Not Available"; PolyPhen-2: "Benign"; Align-GVGD: "Not Available". The glycine amino acid residue is found in multiple mammalian species, which suggests that this missense change does not adversely affect protein function. In summary, the available evidence is currently insufficient to determine the role of this variant in disease. Therefore, it has been classified as a Variant of Uncertain Significance.

Color Diagnostics, LLC DBA Color Health
Classification: Uncertain significance for Hereditary cancer-predisposing syndrome. Last evaluated: 2023-12-05. Review status: criteria provided, single submitter. Criteria: ACMG Guidelines, 2015. Collection method: clinical testing. Allele origin: germline.
Comment: This missense variant replaces glutamic acid with glycine at codon 2245 of the ATM protein. Computational prediction suggests that this variant may not impact protein structure and function (internally defined REVEL score threshold <= 0.5, PMID: 27666373). To our knowledge, functional studies have not been reported for this variant. This variant has not been reported in individuals affected with ATM-related disorders in the literature. This variant has not been identified in the general population by the Genome Aggregation Database (gnomAD). The available evidence is insufficient to determine the role of this variant in disease conclusively. Therefore, this variant is classified as a Variant of Uncertain Significance.

Ambry Genetics
Classification: Uncertain significance for Hereditary cancer-predisposing syndrome. Last evaluated: 2016-12-08. Review status: criteria provided, single submitter. Criteria: Ambry Variant Classification Scheme 2023. Collection method: clinical testing. Allele origin: germline.
Comment: The p.E2245G variant (also known as c.6734A>G), located in coding exon 45 of the ATM gene, results from an A to G substitution at nucleotide position 6734. The glutamic acid at codon 2245 is replaced by glycine, an amino acid with similar properties. This amino acid position is not well conserved in available vertebrate species. In addition, this alteration is predicted to be tolerated by in silico analysis.

NM_000051.4(ATM):c.6734A>G (p.Glu2245Gly)

Genes: ATM (ATM serine/threonine kinase; plus strand), C11orf65 (chromosome 11 open reading frame 65; minus strand). Cytogenetic location: 11q22.3.
Variant type: single nucleotide variant.
Coding change: c.6734A>G on transcript NM_000051.4 (MANE Select); coding-DNA position 6734, A replaced by G.
Protein change: p.Glu2245Gly; replaces glutamic acid 2245 with glycine.
Molecular consequence: missense variant. On other transcripts: intron variant (2).
Genome position (GRCh38, 1-based): chr11:108,325,471, A>G. VCF-style: chr11-108325471-A-G. GRCh37 (hg19) VCF-style: chr11-108196198-A-G.
Other names: c.6734A>G, p.Glu2245Gly (NM_001351834.2); c.641-16400T>C (NM_001330368.2); c.*38+9749T>C (NM_001351110.2); short protein forms E2245G.
Identifiers: ClinVar variation 481117 (VCV000481117.13), dbSNP rs1555119214, ClinGen allele CA382555154.